The following is an entry in ClinVar:

NM_173812.5(DPY19L2):c.2038A>T (p.Lys680Ter)

Gene: DPY19L2 (dpy-19 like 2; minus strand). Cytogenetic location: 12q14.2.
Variant type: single nucleotide variant.
Coding change: c.2038A>T on transcript NM_173812.5 (MANE Select); coding-DNA position 2038, A replaced by T.
Protein change: p.Lys680Ter; replaces lysine 680 with a stop codon.
Molecular consequence: nonsense.
Genome position (GRCh38, 1-based): chr12:63,569,312, T>A on the plus strand (A>T on the coding strand, the complement: DPY19L2 is on the minus strand). VCF-style: chr12-63569312-T-A. GRCh37 (hg19) VCF-style: chr12-63963092-T-A.
Other names: short protein forms K680*.
Identifiers: ClinVar variation 101505 (VCV000101505.10), dbSNP rs587777205, ClinGen allele CA150730.

ClinVar aggregate classification (germline): Pathogenic. Review status: criteria provided, single submitter (1 of 4 stars). 2 submissions from 2 submitters: Pathogenic (1). 1 of the submissions does not count toward it. Last evaluated 2017-10-24.

Conditions:
Spermatogenic failure 9 (SPGF9). Also called: GLOBOZOOSPERMIA, TOTAL; GLOBOZOOSPERMIA, COMPLETE. Identifiers: Orphanet 171709, MedGen C3151407, MONDO:0013505, OMIM 613958.

Allele frequency attached by ClinVar (database versions not stated): gnomAD 0.00003; TOPMed 0.00004.
gnomAD v4.1: 57 of 1,598,540 alleles (0.0036%); highest among the groups gnomAD compares: Non-Finnish European, 0.0047%; no homozygotes.

Submissions (2):

Labcorp Genetics (formerly Invitae), Labcorp
Classification: Pathogenic. Last evaluated: 2017-10-24. Review status: criteria provided, single submitter. Criteria: Invitae Variant Classification Sherloc (09022015). Collection method: clinical testing. Allele origin: germline.
Comment: For these reasons, this variant has been classified as Pathogenic. Loss-of-function variants in DPY19L2 are known to be pathogenic (PMID: 22627659, 22653751). This variant has been reported in an individual affected with globozoospermia (PMID: 22653751). This variant is present in population databases (rs587777205, ExAC 0.005%). This sequence change creates a premature translational stop signal (p.Lys680*) in the DPY19L2 gene. It is expected to result in an absent or disrupted protein product.

OMIM
Classification: Pathogenic for SPERMATOGENIC FAILURE 9. Last evaluated: 2012-08-15. Review status: no assertion criteria provided. Collection method: literature only. Allele origin: germline. Not counted in ClinVar's aggregate classification.

Literature cited by the submitters: PubMed 22627659 (cited by Labcorp Genetics (formerly Invitae), Labcorp); PubMed 22653751 (cited by Labcorp Genetics (formerly Invitae), Labcorp and OMIM).